The following is an entry in ClinVar:

NM_007294.4(BRCA1):c.1796A>G (p.Asn599Ser)

Gene: BRCA1 (BRCA1 DNA repair associated; minus strand). Cytogenetic location: 17q21.31.
Variant type: single nucleotide variant.
Coding change: c.1796A>G on transcript NM_007294.4 (MANE Select); coding-DNA position 1796, A replaced by G.
Protein change: p.Asn599Ser; replaces asparagine 599 with serine.
Molecular consequence: missense variant. On other transcripts: intron variant (137).
Genome position (GRCh38, 1-based): chr17:43,093,735, T>C on the plus strand (A>G on the coding strand, the complement: BRCA1 is on the minus strand). VCF-style: chr17-43093735-T-C. GRCh37 (hg19) VCF-style: chr17-41245752-T-C.
Other names: c.1796A>G, p.Asn599Ser (NM_001407583.1, NM_001407585.1, NM_001407616.1 and 30 more transcripts); c.1793A>G, p.Asn598Ser (NM_001407587.1, NM_001407590.1, NM_001407591.1 and 22 more transcripts); c.583+1009A>G (NM_001408475.1); c.709+1009A>G (NM_001408412.1, NM_001408409.1, NM_001408414.1 and 2 more transcripts); c.451+1009A>G (NM_001408509.1, NM_001408508.1); c.787+1009A>G (NM_001407968.1, NM_001408404.1, NM_001408472.1 and 19 more transcripts); c.577+1009A>G (NM_001408492.1, NM_001408480.1, NM_001408513.1 and 9 more transcripts); c.643+1009A>G (NM_001408468.1, NM_001408470.1, NM_001408464.1 and 3 more transcripts); and 40 more; short protein forms N599S, N552S, N303S, N488S, N510S, N598S, N431S, N471S.
Identifiers: ClinVar variation 652519 (VCV000652519.19), dbSNP rs1174268388, ClinGen allele CA10598428.

ClinVar aggregate classification (germline): Conflicting classifications of pathogenicity. Review status: criteria provided, conflicting classifications (1 of 4 stars). 4 submissions from 4 submitters: Uncertain significance (3); Likely benign (1). Last evaluated 2025-06-10.

Conditions:
Hereditary breast ovarian cancer syndrome. Also called: Breast and ovarian cancer; BRCA1- and BRCA2-Associated Hereditary Breast and Ovarian Cancer; Hereditary breast and ovarian cancer; Hereditary breast and/or ovarian cancer syndrome; Hereditary breast and ovarian cancer syndrome; Hereditary breast and ovarian cancer syndrome (HBOC). Identifiers: Orphanet 145, MedGen C0677776, MeSH D061325, MONDO:0003582. Disease mechanism: loss of function.
Hereditary cancer-predisposing syndrome. Also called: Neoplastic Syndromes, Hereditary; Tumor predisposition; Hereditary Cancer Syndrome; Hereditary neoplastic syndrome. Identifiers: Orphanet 140162, MedGen C0027672, MeSH D009386, MONDO:0015356.

Allele frequency attached by ClinVar (database versions not stated): TOPMed 0.00001.
gnomAD v4.1: 1 of 1,614,080 alleles (0.000062%); no homozygotes.

Submissions (4):

Color Diagnostics, LLC DBA Color Health
Classification: Uncertain significance for Hereditary cancer-predisposing syndrome. Last evaluated: 2025-06-10. Review status: criteria provided, single submitter. Criteria: ACMG Guidelines, 2015. Collection method: clinical testing. Allele origin: germline.
Comment: This missense variant replaces asparagine with serine at codon 599 of the BRCA1 protein. Computational prediction suggests that this variant may not impact protein structure and function. To our knowledge, functional studies have not been reported for this variant. This variant has been reported in an individual affected with breast and colorectal cancer (PMID: 35534704). This variant has not been identified in the general population by the Genome Aggregation Database (gnomAD). The available evidence is insufficient to determine the role of this variant in disease conclusively. Therefore, this variant is classified as a Variant of Uncertain Significance.

Labcorp Genetics (formerly Invitae), Labcorp
Classification: Uncertain significance for Hereditary breast ovarian cancer syndrome. Last evaluated: 2024-12-24. Review status: criteria provided, single submitter. Criteria: Invitae Variant Classification Sherloc (09022015). Collection method: clinical testing. Allele origin: germline.
Comment: This sequence change replaces asparagine, which is neutral and polar, with serine, which is neutral and polar, at codon 599 of the BRCA1 protein (p.Asn599Ser). This variant is not present in population databases (gnomAD no frequency). This missense change has been observed in individual(s) with breast cancer (PMID: 35534704). ClinVar contains an entry for this variant (Variation ID: 652519). Invitae Evidence Modeling of protein sequence and biophysical properties (such as structural, functional, and spatial information, amino acid conservation, physicochemical variation, residue mobility, and thermodynamic stability) indicates that this missense variant is not expected to disrupt BRCA1 protein function with a negative predictive value of 80%. In summary, the available evidence is currently insufficient to determine the role of this variant in disease. Therefore, it has been classified as a Variant of Uncertain Significance.

University of Washington Department of Laboratory Medicine, University of Washington
Classification: Likely benign for Hereditary cancer-predisposing syndrome. Last evaluated: 2023-03-23. Review status: criteria provided, single submitter. Criteria: Dines et al. (Genet Med. 2020). Collection method: curation. Allele origin: germline.
Comment: Missense variant in a coldspot region where missense variants are very unlikely to be pathogenic (PMID:31911673).

BRCA1 coldspot (exon 11 using historical exon numbering). Reclassification based on statistical prior probability

Ambry Genetics
Classification: Uncertain significance for Hereditary cancer-predisposing syndrome. Last evaluated: 2023-01-25. Review status: criteria provided, single submitter. Criteria: Ambry Variant Classification Scheme 2023. Collection method: clinical testing. Allele origin: germline.
Comment: The p.N599S variant (also known as c.1796A>G), located in coding exon 9 of the BRCA1 gene, results from an A to G substitution at nucleotide position 1796. The asparagine at codon 599 is replaced by serine, an amino acid with highly similar properties. This amino acid position is well conserved in available vertebrate species. In addition, the in silico prediction for this alteration is inconclusive. Since supporting evidence is limited at this time, the clinical significance of this alteration remains unclear.

Literature cited by the submitters: PubMed 35534704 (cited by Color Diagnostics, LLC DBA Color Health and Labcorp Genetics (formerly Invitae), Labcorp).